The following is an entry in ClinVar:

ClinVar aggregate classification (germline): Pathogenic/Likely pathogenic. Review status: criteria provided, multiple submitters, no conflicts (2 of 4 stars). 2 submissions from 2 submitters: Pathogenic (1); Likely pathogenic (1). Last evaluated 2025-11-13.

Conditions:
Niemann-Pick disease, type C1. Also called: NEUROVISCERAL STORAGE DISEASE WITH VERTICAL SUPRANUCLEAR OPHTHALMOPLEGIA; NIEMANN-PICK DISEASE WITH CHOLESTEROL ESTERIFICATION BLOCK; NIEMANN-PICK DISEASE WITHOUT SPHINGOMYELINASE DEFICIENCY; NIEMANN-PICK DISEASE, CHRONIC NEURONOPATHIC FORM; NIEMANN-PICK DISEASE, VARIANT TYPE C1. Identifiers: Orphanet 646, MedGen C3179455, MONDO:0009757, OMIM 257220.

Allele frequency attached by ClinVar (database versions not stated): gnomAD exomes below 0.00001.
gnomAD v4.1: 1 of 1,602,994 alleles (0.000062%); highest among the groups gnomAD compares: Non-Finnish European, 0.000085%; no homozygotes.

Submissions (2):

Natera, Inc.
Classification: Likely pathogenic for Niemann-Pick disease type C1. Last evaluated: 2025-11-13. Review status: criteria provided, single submitter. Criteria: Natera Variant Classification Schema (03/2026). Collection method: clinical testing. Allele origin: germline.
Comment: The c.2515-2A>G variant in NPC1 is a canonical splice acceptor site variant predicted to affect pre-mRNA splicing, which may result in an abnormal transcript and altered protein product. This variant is expected to result in nonsense mediated decay, truncation, or a dysfunctional protein product. This variant is rare in the general population with a frequency below the threshold expected for the associated phenotype(s). This variant has been observed in one or more individuals affected with the associated recessive disease, as either homozygous or compound heterozygous with a second variant (PMID: 39185019, 37433892). Given the available evidence, this variant is classified as Likely Pathogenic.

CENTOGENE GmbH and LLC - Guiding Precision Medicine
Classification: Pathogenic for Niemann-Pick disease, type C1. Last evaluated: 2022-08-30. Review status: criteria provided, single submitter. Criteria: ACMG Guidelines, 2015. Collection method: clinical testing. Allele origin: germline. Affected: yes.

Literature cited by the submitters: PubMed 39185019 (cited by Natera, Inc.); PubMed 37433892 (cited by Natera, Inc.).

NM_000271.5(NPC1):c.2515-2A>G

Gene: NPC1 (NPC intracellular cholesterol transporter 1; minus strand). Cytogenetic location: 18q11.2.
Variant type: single nucleotide variant.
Coding change: c.2515-2A>G on transcript NM_000271.5 (MANE Select); the canonical splice acceptor site of the intron before coding-DNA position 2515, A replaced by G.
Molecular consequence: splice acceptor variant.
Genome position (GRCh38, 1-based): chr18:23,540,539, T>C on the plus strand (A>G on the coding strand, the complement: NPC1 is on the minus strand). VCF-style: chr18-23540539-T-C. GRCh37 (hg19) VCF-style: chr18-21120503-T-C.
Other names: c.2515-2A>G (NM_000271.4).
Identifiers: ClinVar variation 1705766 (VCV001705766.2), dbSNP rs2511218496, ClinGen allele CA401793258.